The following is an entry in ClinVar:

ClinVar aggregate classification (germline): Uncertain significance. Review status: criteria provided, multiple submitters, no conflicts (2 of 4 stars). 2 submissions from 2 submitters: Uncertain significance (2). Last evaluated 2026-05-05.

Conditions:
Inborn genetic diseases. Identifiers: MedGen C0950123, MeSH D030342.
Epilepsy, idiopathic generalized, susceptibility to, 13. Also called: EPILEPSY, JUVENILE MYOCLONIC, SUSCEPTIBILITY TO, 5. Identifiers: Orphanet 307, Orphanet 64280, MedGen C4013473, MONDO:0012627, OMIM 611136.
Idiopathic generalized epilepsy. Also called: Generalised epilepsy; EIG. Identifiers: MedGen C0270850, MONDO:0005579, OMIM 600669.
Epilepsy, childhood absence 4 (ECA4). Also called: EPILEPSY, CHILDHOOD ABSENCE, SUSCEPTIBILITY TO, 4. Identifiers: Orphanet 307, MedGen C1970160.

Submissions (2):

Ambry Genetics
Classification: Uncertain significance for Inborn genetic diseases. Last evaluated: 2026-05-05. Review status: criteria provided, single submitter. Criteria: Ambry Variant Classification Scheme 2023. Collection method: clinical testing. Allele origin: germline.
Comment: The c.85C>A (p.P29T) alteration is located in exon 4 (coding exon 2) of the GABRA1 gene. This alteration results from a C to A substitution at nucleotide position 85, causing the proline (P) at amino acid position 29 to be replaced by a threonine (T). Based on data from gnomAD, the A allele has an overall frequency of <0.001% (1/249980) total alleles studied. The highest observed frequency was 0.001% (1/112824) of European (non-Finnish) alleles. Based on insufficient or conflicting evidence, the clinical significance of this alteration remains unclear.

Labcorp Genetics (formerly Invitae), Labcorp
Classification: Uncertain significance for Epilepsy, childhood absence 4; Epilepsy, idiopathic generalized, susceptibility to, 13; Idiopathic generalized epilepsy. Last evaluated: 2023-08-10. Review status: criteria provided, single submitter. Criteria: Invitae Variant Classification Sherloc (09022015). Collection method: clinical testing. Allele origin: germline.
Comment: This sequence change replaces proline, which is neutral and non-polar, with threonine, which is neutral and polar, at codon 29 of the GABRA1 protein (p.Pro29Thr). This variant is present in population databases (no rsID available, gnomAD 0.0009%). This missense change has been observed in individual(s) with seizures (Invitae). Advanced modeling of protein sequence and biophysical properties (such as structural, functional, and spatial information, amino acid conservation, physicochemical variation, residue mobility, and thermodynamic stability) performed at Invitae indicates that this missense variant is not expected to disrupt GABRA1 protein function. In summary, the available evidence is currently insufficient to determine the role of this variant in disease. Therefore, it has been classified as a Variant of Uncertain Significance.

NM_001127644.2(GABRA1):c.85C>A (p.Pro29Thr)

Gene: GABRA1 (gamma-aminobutyric acid type A receptor subunit alpha1; plus strand). Cytogenetic location: 5q34.
Variant type: single nucleotide variant.
Coding change: c.85C>A on transcript NM_001127644.2 (MANE Select); coding-DNA position 85, C replaced by A.
Protein change: p.Pro29Thr; replaces proline 29 with threonine.
Molecular consequence: missense variant.
Genome position (GRCh38, 1-based): chr5:161,854,168, C>A. VCF-style: chr5-161854168-C-A. GRCh37 (hg19) VCF-style: chr5-161281174-C-A.
Other names: c.85C>A, p.Pro29Thr (NM_000806.5, NM_001127643.2, NM_001127645.2 and 1 more transcripts); short protein forms P29T.
Identifiers: ClinVar variation 2950849 (VCV002950849.4), dbSNP rs143815396, ClinGen allele CA362181462.